The following is an entry in ClinVar:

NM_001242896.3(DEPDC5):c.3758A>G (p.Tyr1253Cys)

Gene: DEPDC5 (DEP domain containing 5, GATOR1 subcomplex subunit; plus strand). Cytogenetic location: 22q12.3.
Variant type: single nucleotide variant.
Coding change: c.3758A>G on transcript NM_001242896.3 (MANE Select); coding-DNA position 3758, A replaced by G.
Protein change: p.Tyr1253Cys; replaces tyrosine 1253 with cysteine.
Molecular consequence: missense variant. On other transcripts: non-coding transcript variant (2).
Genome position (GRCh38, 1-based): chr22:31,876,218, A>G. VCF-style: chr22-31876218-A-G. GRCh37 (hg19) VCF-style: chr22-32272204-A-G.
Other names: c.3731A>G, p.Tyr1244Cys (NM_001136029.4); c.3458A>G, p.Tyr1153Cys (NM_001242897.2); c.3692A>G, p.Tyr1231Cys (NM_001363852.2, NM_001364320.2); c.3524A>G, p.Tyr1175Cys (NM_001363854.2, NM_001364319.2); c.3758A>G, p.Tyr1253Cys (NM_001364318.2); c.3674A>G, p.Tyr1225Cys (NM_001369901.1, NM_001369902.1); c.3665A>G, p.Tyr1222Cys (NM_001369903.1, NM_014662.6); short protein forms Y1222C, Y1225C, Y1244C, Y1175C, Y1231C, Y1253C, Y1153C.
Identifiers: ClinVar variation 930556 (VCV000930556.7), dbSNP rs2092987722, ClinGen allele CA411279557.

ClinVar aggregate classification (germline): Uncertain significance. Review status: criteria provided, multiple submitters, no conflicts (2 of 4 stars). 2 submissions from 2 submitters: Uncertain significance (2). Last evaluated 2022-06-14.

Conditions:
Epilepsy, familial focal, with variable foci 1 (FFEVF1). Also called: DEPDC5-Related Epilepsy. Identifiers: MedGen C4551983, MONDO:0024556, OMIM 604364.
Familial focal epilepsy with variable foci (FPEVF). Identifiers: Orphanet 98820, MedGen C1858477, MONDO:0020310.

Allele frequency attached by ClinVar (database versions not stated): gnomAD exomes below 0.00001.
gnomAD v4.1: 1 of 1,614,048 alleles (0.000062%); highest among the groups gnomAD compares: Non-Finnish European, 0.000085%; no homozygotes.

Submissions (2):

Labcorp Genetics (formerly Invitae), Labcorp
Classification: Uncertain significance for Familial focal epilepsy with variable foci. Last evaluated: 2022-06-14. Review status: criteria provided, single submitter. Criteria: Invitae Variant Classification Sherloc (09022015). Collection method: clinical testing. Allele origin: germline.
Comment: This sequence change replaces tyrosine, which is neutral and polar, with cysteine, which is neutral and slightly polar, at codon 1253 of the DEPDC5 protein (p.Tyr1253Cys). This variant is not present in population databases (gnomAD no frequency). This variant has not been reported in the literature in individuals affected with DEPDC5-related conditions. ClinVar contains an entry for this variant (Variation ID: 930556). Algorithms developed to predict the effect of missense changes on protein structure and function are either unavailable or do not agree on the potential impact of this missense change (SIFT: "Deleterious"; PolyPhen-2: "Not Available"; Align-GVGD: "Class C25"). In summary, the available evidence is currently insufficient to determine the role of this variant in disease. Therefore, it has been classified as a Variant of Uncertain Significance.

Centre for Mendelian Genomics, University Medical Centre Ljubljana
Classification: Uncertain significance for Epilepsy, familial focal, with variable foci 1. Last evaluated: 2019-10-30. Review status: criteria provided, single submitter. Criteria: ACMG Guidelines, 2015. Collection method: clinical testing. Allele origin: unknown. Affected: yes.
Comment: This variant was classified as: Uncertain significance. The available evidence on this variant's pathogenicity is insufficient or conflicting. The following ACMG criteria were applied in classifying this variant: PM2,PP3,BP1.